The following is an entry in ClinVar:

ClinVar aggregate classification (germline): Benign/Likely benign. Review status: criteria provided, multiple submitters, no conflicts (2 of 4 stars). 5 submissions from 5 submitters: Benign (1); Likely benign (3). 1 of the submissions does not count toward it. Last evaluated 2026-01-20.

Conditions:
G6PC3-related disorder. Also called: G6PC3-related condition.
Autosomal recessive severe congenital neutropenia due to G6PC3 deficiency. Also called: NEUTROPENIA, SEVERE CONGENITAL, 4, AUTOSOMAL RECESSIVE; G6PC3 Deficiency. Identifiers: Orphanet 331176, MedGen C2751630, MONDO:0012930, OMIM 612541.
Inborn genetic diseases. Identifiers: MedGen C0950123, MeSH D030342.

Allele frequency attached by ClinVar (database versions not stated): gnomAD exomes 0.00009 and 0.00023; ExAC 0.00031; 1000 Genomes Project 30x 0.00078; 1000 Genomes Project 0.00080; gnomAD 0.00085 and 0.00092; TOPMed 0.00105; ESP Exome Variant Server 0.00115.

Submissions (5):

Labcorp Genetics (formerly Invitae), Labcorp
Classification: Benign for Autosomal recessive severe congenital neutropenia due to G6PC3 deficiency. Last evaluated: 2026-01-20. Review status: criteria provided, single submitter. Criteria: Invitae Variant Classification Sherloc (09022015). Collection method: clinical testing. Allele origin: germline.

Ambry Genetics
Classification: Likely benign for Inborn genetic diseases. Last evaluated: 2024-11-20. Review status: criteria provided, single submitter. Criteria: Ambry Variant Classification Scheme 2023. Collection method: clinical testing. Allele origin: germline.

Blueprint Genetics
Classification: Likely benign. Last evaluated: 2024-10-18. Review status: criteria provided, single submitter. Criteria: ACMG Guidelines, 2015. Collection method: clinical testing. Allele origin: germline.

Genetic Services Laboratory, University of Chicago
Classification: Likely benign. Last evaluated: 2021-08-24. Review status: criteria provided, single submitter. Criteria: ACMG Guidelines, 2015. Collection method: clinical testing. Allele origin: germline. Affected: no.

PreventionGenetics, part of Exact Sciences
Classification: Likely benign for G6PC3-related condition. Last evaluated: 2020-02-19. Review status: no assertion criteria provided. Collection method: clinical testing. Allele origin: germline. Not counted in ClinVar's aggregate classification.
Comment: This variant is classified as likely benign based on ACMG/AMP sequence variant interpretation guidelines (Richards et al. 2015 PMID: 25741868, with internal and published modifications).

NM_138387.4(G6PC3):c.189C>T (p.Ile63=)

Genes: G6PC3 (glucose-6-phosphatase catalytic subunit 3; plus strand), LOC130060959 (ATAC-STARR-seq lymphoblastoid active region 12250; plus strand). Cytogenetic location: 17q21.31.
Variant type: single nucleotide variant.
Coding change: c.189C>T on transcript NM_138387.4 (MANE Select); coding-DNA position 189, C replaced by T.
Protein change: p.Ile63=; no amino-acid change (isoleucine 63 retained).
Molecular consequence: synonymous variant. On other transcripts: 5 prime UTR variant (3), intron variant (1).
Genome position (GRCh38, 1-based): chr17:44,071,154, C>T. VCF-style: chr17-44071154-C-T. GRCh37 (hg19) VCF-style: chr17-42148522-C-T.
Other names: c.189C>T, p.Ile63= (NM_001319945.2); c.-216C>T (NM_001384165.1); c.-351C>T (NM_001384166.1); c.-341C>T (NM_001384167.1); c.-312+440C>T (NM_001384168.1).
Identifiers: ClinVar variation 730066 (VCV000730066.18), dbSNP rs144594971, ClinGen allele CA8595900.